The following is an entry in ClinVar:

ClinVar aggregate classification (germline): Uncertain significance (1 of 4 stars; one submission).

Conditions:
Inborn genetic diseases. Identifiers: MedGen C0950123, MeSH D030342.

Submission:

Ambry Genetics
Classification: Uncertain significance for Inborn genetic diseases. Last evaluated: 2026-07-17. Review status: criteria provided, single submitter. Criteria: Ambry Variant Classification Scheme 2023. Collection method: clinical testing. Allele origin: germline.
Comment: The p.A840V variant (also known as c.2519C>T), located in coding exon 27 of the FANCA gene, results from a C to T substitution at nucleotide position 2519. The alanine at codon 840 is replaced by valine, an amino acid with similar properties. This amino acid position is conserved. In addition, the in silico prediction for this alteration is inconclusive. Based on the available evidence, the clinical significance of this variant remains unclear.

NM_000135.4(FANCA):c.2519C>T (p.Ala840Val)

Gene: FANCA (FA complementation group A; minus strand). Cytogenetic location: 16q24.3.
Variant type: single nucleotide variant.
Coding change: c.2519C>T on transcript NM_000135.4 (MANE Select); coding-DNA position 2519, C replaced by T.
Protein change: p.Ala840Val; replaces alanine 840 with valine.
Molecular consequence: missense variant.
Genome position (GRCh38, 1-based): chr16:89,767,223, G>A on the plus strand (C>T on the coding strand, the complement: FANCA is on the minus strand). VCF-style: chr16-89767223-G-A. GRCh37 (hg19) VCF-style: chr16-89833631-G-A.
Other names: c.2519C>T, p.Ala840Val (NM_001286167.3); short protein forms A840V.
Identifiers: ClinVar variation 5036359 (VCV005036359.1).
Genomic context (GRCh38, chr16:89,767,223, plus strand): 5'-AAGCAGCTGCACAAAGTATCTCGTGACTGGGAAGAAAACTTGCAGAGAGAGTAAGAAATT[G>A]CTGCTGTACAAAATCTGAAAACAGAAATTATAACATATAAATGTAATCCATACAAAATAA-3'
Protein context (NP_000126.2, residues 830-850): LFFCLKFCTA[Ala840Val]ISYSLCKFSS